The following is an entry in ClinVar:

NM_020843.4(SCAPER):c.720A>G (p.Thr240=)

Gene: SCAPER (S-phase cyclin A associated protein in the ER; minus strand). Cytogenetic location: 15q24.3.
Variant type: single nucleotide variant.
Coding change: c.720A>G on transcript NM_020843.4 (MANE Select); coding-DNA position 720, A replaced by G.
Protein change: p.Thr240=; no amino-acid change (threonine 240 retained).
Molecular consequence: synonymous variant. On other transcripts: 5 prime UTR variant (1), non-coding transcript variant (1).
Genome position (GRCh38, 1-based): chr15:76,795,332, T>C on the plus strand (A>G on the coding strand, the complement: SCAPER is on the minus strand). VCF-style: chr15-76795332-T-C. GRCh37 (hg19) VCF-style: chr15-77087673-T-C.
Other names: c.-178A>G (NM_001145923.2); c.720A>G, p.Thr240= (NM_001353009.2); c.318A>G, p.Thr106= (NM_001353010.2, NM_001353011.2, NM_001353012.2).
Identifiers: ClinVar variation 3345033 (VCV003345033.1).

ClinVar aggregate classification (germline): Likely benign (0 of 4 stars; one submission).

Conditions:
SCAPER-related disorder. Also called: SCAPER-related condition.

Submission:

PreventionGenetics, part of Exact Sciences
Classification: Likely benign for SCAPER-related condition. Last evaluated: 2024-09-19. Review status: no assertion criteria provided. Collection method: clinical testing. Allele origin: germline.
Comment: This variant is classified as likely benign based on ACMG/AMP sequence variant interpretation guidelines (Richards et al. 2015 PMID: 25741868, with internal and published modifications).